The following is an entry in ClinVar:

ClinVar aggregate classification (germline): Likely pathogenic (3 of 4 stars; one submission).

Conditions:
Juvenile retinoschisis (RS1). Also called: X-Linked Juvenile Retinoschisis; X-linked retinoschisis. Identifiers: Orphanet 792, MedGen C3714753, MONDO:0010725, OMIM 312700.

Submission:

ClinGen X-linked Inherited Retinal Disease Variant Curation Expert Panel, ClinGen
Classification: Likely pathogenic for Juvenile retinoschisis. Last evaluated: 2026-09-26. Review status: reviewed by expert panel. Criteria: ClinGen X LinkedIRD ACMG Specifications RS1 V1.0.0. Collection method: curation. Allele origin: germline. Inheritance: X-linked inheritance.
Comment: The NM_000330.4(RS1):c.215A>C (p.Glu72Ala) variant is a missense variant encoding the substitution of glutamic acid and Alanine at amino acid 72. This variant is absent from hemizygous individuals in gnomAD v4.1.0 (PM2_Supporting). The computational predictor REVEL gives a score of 0.956, which is above the ClinGen X-linked IRD VCEP threshold of >0.932 and predicts a damaging effect on RS1 function (PP3_strong). The computational splicing predictor SpliceAI gives a delta score of 0.03 for acceptor gain, which is below the ClinGen X-linked IRD VCEP threshold of >0.2 and does not predict that the variant disrupts RS1 splicing. Another two missense variants in the same codon, NM_000330.4(RS1):c.214G>C (p.Glu72Gln), (PMIDs: 19390641, 11295123, 28348004, 36460718, 39462066, 35456481) and NM_000330.4(RS1):c.214G>A (p.Glu72Lys) (PMIDs: 23288992, 11246454, 30025115, 28348004, 19324861, 22245991, 32531858, 29851975, 12746437) have been classified as pathogenic for X-linked retinoschisis by the ClinGen X-linked IRD VCEP, while no benign missense variants have been identified in this codon. The present variant has a higher Grantham’s distance (107) than the comparison variants (29, 56), and SpliceAI has been used to confirm that neither variant has a predicted impact on RS1 splicing (PM5). The p.Plu72Ala variant in the NDP gene is a missense substitution that alters a critical cysteine residue involved in disulfide bond formation, as established by the ClinGen X-linked IRD VCEP (PMID: 27114531). While this functional importance supports consideration of PM1, the concurrent application of PP3 at the strong level renders PM1 inapplicable per ACMG/AMP guidelines. As a result, the PM1 criterion is considered unmet for this variant. This variant has been reported in at least 1 proband meeting the PS4 requirement of a male diagnosed with XLRS (PMID: 23847049). PS4_Supporting requires at least 2 unrelated probands, so this criterion was not met. In summary, this variant is classified as likely pathogenic for X-linked retinoschisis based on the ClinGen X-linked Inherited Retinal Disease Expert Panel Specifications to the ACMG/AMP Variant Interpretation Guidelines for RS1 Version 1.0.0: PM2_Supporting, PP3_Strong, and PM5.

NM_000330.4(RS1):c.215A>C (p.Glu72Ala)

Genes: CDKL5 (cyclin dependent kinase like 5; plus strand), RS1 (retinoschisin 1; minus strand). Cytogenetic location: Xp22.13.
Variant type: single nucleotide variant.
Coding change: c.215A>C on transcript NM_000330.4 (MANE Select); coding-DNA position 215, A replaced by C.
Protein change: p.Glu72Ala; replaces glutamic acid 72 with alanine.
Molecular consequence: missense variant. On other transcripts: intron variant (2).
Genome position (GRCh38, 1-based): chrX:18,647,302, T>G on the plus strand (A>C on the coding strand, the complement: RS1 is on the minus strand). VCF-style: chrX-18647302-T-G. GRCh37 (hg19) VCF-style: chrX-18665422-T-G.
Other names: NM_003159.3:c.2797+1212T>G; c.2797+1212T>G (NM_003159.3, NM_001037343.2); short protein forms E72A.
Identifiers: ClinVar variation 4976895 (VCV004976895.1).